The following is an entry in ClinVar:

ClinVar aggregate classification (germline): Pathogenic (1 of 4 stars; one submission).

Conditions:
Hereditary spastic paraplegia 49 (HSAN9). Also called: NEUROPATHY, HEREDITARY SENSORY AND AUTONOMIC, TYPE IX, WITH DEVELOPMENTAL DELAY; Spastic paraplegia 49, autosomal recessive; TECPR2-Related Hereditary Sensory and Autonomic Neuropathy with Intellectual Disability. Identifiers: Orphanet 320385, MedGen C5190860, MONDO:0014016, OMIM 615031.

Submission:

Labcorp Genetics (formerly Invitae), Labcorp
Classification: Pathogenic for Hereditary spastic paraplegia 49. Last evaluated: 2019-09-25. Review status: criteria provided, single submitter. Criteria: Invitae Variant Classification Sherloc (09022015). Collection method: clinical testing. Allele origin: germline.
Comment: Loss-of-function variants in TECPR2 are known to be pathogenic (PMID: 23176824, 25590979). For these reasons, this variant has been classified as Pathogenic. This variant has not been reported in the literature in individuals with TECPR2-related conditions. This variant is not present in population databases (ExAC no frequency). This sequence change creates a premature translational stop signal (p.Glu710Tyrfs*15) in the TECPR2 gene. It is expected to result in an absent or disrupted protein product.

Literature cited by the submitters: PubMed 23176824; PubMed 25590979.

NM_014844.5(TECPR2):c.2128_2131del (p.Glu710fs)

Gene: TECPR2 (tectonin beta-propeller repeat containing 2; plus strand). Cytogenetic location: 14q32.31.
Variant type: Microsatellite.
Coding change: c.2128_2131del on transcript NM_014844.5 (MANE Select); coding-DNA positions 2128 to 2131, 4 bases deleted (GAAA; older notation c.2128_2131delGAAA).
Protein change: p.Glu710fs; shifts the reading frame from glutamic acid 710.
Molecular consequence: frameshift variant.
Genome position (GRCh38, 1-based): chr14:102,434,945-102,434,948, GAAA deleted; deleting any 4 consecutive bases within chr14:102,434,940-102,434,948 gives the same sequence; the c. name uses the placement nearest the transcript's 3' end. VCF-style (leftmost placement, unchanged base first): chr14-102434939-CAGAA-C. GRCh37 (hg19) VCF-style: chr14-102901276-CAGAA-C.
Other names: c.2128_2131del, p.Glu710fs (NM_001172631.3); short protein forms E710fs.
Identifiers: ClinVar variation 936834 (VCV000936834.8), dbSNP rs1889618137, ClinGen allele CA2159812758.